The following is an entry in ClinVar:

NM_005475.3(SH2B3):c.527C>T (p.Pro176Leu)

Gene: SH2B3 (SH2B adaptor protein 3; plus strand). Cytogenetic location: 12q24.12.
Variant type: single nucleotide variant.
Coding change: c.527C>T on transcript NM_005475.3 (MANE Select); coding-DNA position 527, C replaced by T.
Protein change: p.Pro176Leu; replaces proline 176 with leucine.
Molecular consequence: missense variant.
Genome position (GRCh38, 1-based): chr12:111,418,672, C>T. VCF-style: chr12-111418672-C-T. GRCh37 (hg19) VCF-style: chr12-111856476-C-T.
Other names: short protein forms P176L.
Identifiers: ClinVar variation 3953517 (VCV003953517.1).

ClinVar aggregate classification (germline): Uncertain significance (1 of 4 stars; one submission).

Conditions:
Inborn genetic diseases. Identifiers: MedGen C0950123, MeSH D030342.

Submission:

Ambry Genetics
Classification: Uncertain significance for Inborn genetic diseases. Last evaluated: 2025-05-22. Review status: criteria provided, single submitter. Criteria: Ambry Variant Classification Scheme 2023. Collection method: clinical testing. Allele origin: germline.
Comment: The p.P176L variant (also known as c.527C>T), located in coding exon 1 of the SH2B3 gene, results from a C to T substitution at nucleotide position 527. The proline at codon 176 is replaced by leucine, an amino acid with similar properties. This amino acid position is conserved. In addition, this alteration is predicted to be tolerated by in silico analysis. Based on the available evidence, the clinical significance of this variant remains unclear.